The following is an entry in ClinVar:

ClinVar aggregate classification (germline): Likely benign (0 of 4 stars; one submission).

Conditions:
POMC-related disorder. Also called: POMC-related disorders; POMC-related condition.

Allele frequency attached by ClinVar (database versions not stated): gnomAD 0.00001; gnomAD exomes 0.00001; ExAC 0.00002; TOPMed 0.00002.
gnomAD v4.1: 17 of 1,613,890 alleles (0.0011%); highest among the groups gnomAD compares: Non-Finnish European, 0.00085%; no homozygotes.

Submission:

PreventionGenetics, part of Exact Sciences
Classification: Likely benign for POMC-related condition. Last evaluated: 2022-09-08. Review status: no assertion criteria provided. Collection method: clinical testing. Allele origin: germline.
Comment: This variant is classified as likely benign based on ACMG/AMP sequence variant interpretation guidelines (Richards et al. 2015 PMID: 25741868, with internal and published modifications).

NM_000939.4(POMC):c.132+4C>T

Gene: POMC (proopiomelanocortin; minus strand). Cytogenetic location: 2p23.3.
Variant type: single nucleotide variant.
Coding change: c.132+4C>T on transcript NM_000939.4 (MANE Select); 4 bases into the intron after coding-DNA position 132, C replaced by T.
Molecular consequence: intron variant.
Genome position (GRCh38, 1-based): chr2:25,164,637, G>A on the plus strand (C>T on the coding strand, the complement: POMC is on the minus strand). VCF-style: chr2-25164637-G-A. GRCh37 (hg19) VCF-style: chr2-25387506-G-A.
Other names: c.132+4C>T (NM_001319205.2, NM_001035256.3, NM_001319204.2).
Identifiers: ClinVar variation 3045712 (VCV003045712.2), dbSNP rs778322412, ClinGen allele CA1555394.